The following is an entry in ClinVar:

NM_004304.5(ALK):c.4682C>T (p.Ser1561Leu)

Gene: ALK (ALK receptor tyrosine kinase; minus strand). Cytogenetic location: 2p23.2.
Variant type: single nucleotide variant.
Coding change: c.4682C>T on transcript NM_004304.5 (MANE Select); coding-DNA position 4682, C replaced by T.
Protein change: p.Ser1561Leu; replaces serine 1561 with leucine.
Molecular consequence: missense variant.
Genome position (GRCh38, 1-based): chr2:29,193,405, G>A on the plus strand (C>T on the coding strand, the complement: ALK is on the minus strand). VCF-style: chr2-29193405-G-A. GRCh37 (hg19) VCF-style: chr2-29416271-G-A.
Other names: c.1478C>T, p.Ser493Leu (NM_001353765.2); short protein forms S1561L, S493L.
Identifiers: ClinVar variation 538223 (VCV000538223.13), dbSNP rs1209157216, ClinGen allele CA346460464.

ClinVar aggregate classification (germline): Uncertain significance. Review status: criteria provided, multiple submitters, no conflicts (2 of 4 stars). 3 submissions from 3 submitters: Uncertain significance (3). Last evaluated 2026-01-10.

Conditions:
Neuroblastoma, susceptibility to, 3. Also called: ALK-Related Neuroblastic Tumor Susceptibility. Identifiers: Orphanet 635, MedGen C2751681, MONDO:0013083, OMIM 613014.
Hereditary cancer-predisposing syndrome. Also called: Neoplastic Syndromes, Hereditary; Tumor predisposition; Hereditary Cancer Syndrome; Hereditary neoplastic syndrome. Identifiers: Orphanet 140162, MedGen C0027672, MeSH D009386, MONDO:0015356.
ALK-related disorder. Also called: ALK-related condition.

gnomAD v4.1: 13 of 1,614,114 alleles (0.00081%); highest among the groups gnomAD compares: East Asian, 0.0022%; no homozygotes.

Submissions (3):

Labcorp Genetics (formerly Invitae), Labcorp
Classification: Uncertain significance for Neuroblastoma, susceptibility to, 3. Last evaluated: 2026-01-10. Review status: criteria provided, single submitter. Criteria: Invitae Variant Classification Sherloc (09022015). Collection method: clinical testing. Allele origin: germline.
Comment: This sequence change replaces serine, which is neutral and polar, with leucine, which is neutral and non-polar, at codon 1561 of the ALK protein (p.Ser1561Leu). This variant is not present in population databases (gnomAD no frequency). This variant has not been reported in the literature in individuals affected with ALK-related conditions. ClinVar contains an entry for this variant (Variation ID: 538223). An algorithm developed to predict the effect of missense changes on protein structure and function (PolyPhen-2) suggests that this variant is likely to be tolerated. In summary, the available evidence is currently insufficient to determine the role of this variant in disease. Therefore, it has been classified as a Variant of Uncertain Significance.

Ambry Genetics
Classification: Uncertain significance for Hereditary cancer-predisposing syndrome. Last evaluated: 2024-05-25. Review status: criteria provided, single submitter. Criteria: Ambry Variant Classification Scheme 2023. Collection method: clinical testing. Allele origin: germline.
Comment: The p.S1561L variant (also known as c.4682C>T), located in coding exon 29 of the ALK gene, results from a C to T substitution at nucleotide position 4682. The serine at codon 1561 is replaced by leucine, an amino acid with dissimilar properties. This amino acid position is conserved. In addition, this alteration is predicted to be tolerated by in silico analysis. Since supporting evidence is limited at this time, the clinical significance of this alteration remains unclear.

PreventionGenetics, part of Exact Sciences
Classification: Uncertain significance for ALK-related condition. Last evaluated: 2023-01-26. Review status: criteria provided, single submitter. Criteria: ACMG Guidelines, 2015. Collection method: clinical testing. Allele origin: germline.
Comment: The ALK c.4682C>T variant is predicted to result in the amino acid substitution p.Ser1561Leu. To our knowledge, this variant has not been reported in the literature or in a large population database, indicating this variant is rare. This variant is interpreted as uncertain significance in ClinVar. At this time, the clinical significance of this variant is uncertain due to the absence of conclusive functional and genetic evidence.